The following is an entry in ClinVar:

NM_031885.5(BBS2):c.1207C>T (p.Arg403Cys)

Gene: BBS2 (Bardet-Biedl syndrome 2; minus strand). Cytogenetic location: 16q13.
Variant type: single nucleotide variant.
Coding change: c.1207C>T on transcript NM_031885.5 (MANE Select); coding-DNA position 1207, C replaced by T.
Protein change: p.Arg403Cys; replaces arginine 403 with cysteine.
Molecular consequence: missense variant. On other transcripts: non-coding transcript variant (5).
Genome position (GRCh38, 1-based): chr16:56,501,371, G>A on the plus strand (C>T on the coding strand, the complement: BBS2 is on the minus strand). VCF-style: chr16-56501371-G-A. GRCh37 (hg19) VCF-style: chr16-56535283-G-A.
Other names: c.1207C>T, p.Arg403Cys (NM_001377456.1); short protein forms R403C.
Identifiers: ClinVar variation 319857 (VCV000319857.23), dbSNP rs766873519, ClinGen allele CA8065809.

ClinVar aggregate classification (germline): Conflicting classifications of pathogenicity. Review status: criteria provided, conflicting classifications (1 of 4 stars). 9 submissions from 9 submitters: Likely pathogenic (1); Uncertain significance (7). 1 of the submissions does not count toward it. Last evaluated 2026-07-07.

Conditions:
BBS2-related disorder. Also called: BBS2-related disorders; BBS2-related condition. Identifiers: MedGen CN239228.
Bardet-Biedl syndrome 2 (BBS2). Identifiers: Orphanet 110, MedGen C2936863, MONDO:0014432, OMIM 615981.
Bardet-Biedl syndrome (BBS). Identifiers: Orphanet 110, MedGen C0752166, MONDO:0015229.
Retinitis pigmentosa 74 (RP74). Identifiers: Orphanet 791, MedGen C4225281, MONDO:0014692, OMIM 616562.

Allele frequency attached by ClinVar (database versions not stated): gnomAD 0.00004 and 0.00006; ExAC 0.00006; gnomAD exomes 0.00007; TOPMed 0.00009.

Submissions (9):

PreventionGenetics, part of Exact Sciences
Classification: Uncertain significance for BBS2-related condition. Last evaluated: 2026-07-07. Review status: criteria provided, single submitter. Criteria: ACMG Guidelines, 2015. Collection method: clinical testing. Allele origin: germline.
Comment: The BBS2 c.1207C>T variant is predicted to result in the amino acid substitution p.Arg403Cys. This variant has been reported in the homozygous state in one individual with Bardet-Biedl syndrome and in the heterozygous state in another individual who also carried other rare variants in Bardet-Biedl syndrome-related genes (Abu-Safieh et al. 2012. PubMed ID: 22353939). This variant is reported in 0.010% of alleles in individuals of European (Non-Finnish) descent in gnomAD. At this time, the clinical significance of this variant is uncertain due to the absence of conclusive functional and genetic evidence.

Women's Health and Genetics/Laboratory Corporation of America, LabCorp
Classification: Uncertain significance. Last evaluated: 2026-05-12. Review status: criteria provided, single submitter. Criteria: LabCorp Variant Classification Summary - May 2015. Collection method: clinical testing. Allele origin: germline.
Comment: Variant summary: BBS2 c.1207C>T (p.Arg403Cys) results in a non-conservative amino acid change located in the Ciliary BBSome complex subunit 2, C-terminal domain (IPR029333) of the encoded protein sequence. Algorithms developed to predict the effect of missense changes on protein structure and function are either unavailable or do not agree on the potential impact of this missense change. The variant allele was found at a frequency of 6.8e-05 in 251492 control chromosomes. This frequency is not significantly higher than estimated for disease-causing variants in BBS2, allowing no conclusion about variant significance. c.1207C>T has been observed in individual(s) affected with Bardet-Biedl Syndrome (Abu-Safieh_2012, Shaheen_2016). These data indicate that the variant may be associated with disease. To our knowledge, no experimental evidence demonstrating an impact on protein function has been reported. The following publications have been ascertained in the context of this evaluation (PMID: 22353939, 27894351). ClinVar contains an entry for this variant (Variation ID: 319857). Based on the evidence outlined above, the variant was classified as VUS-possibly pathogenic.

Dasa
Classification: Uncertain significance. Last evaluated: 2025-12-21. Review status: criteria provided, single submitter. Criteria: DASA Assertion Criteria. Collection method: clinical testing. Allele origin: germline.
Comment: NM_031885.5(BBS2):c.1207C>T (p.Arg403Cys) is a missense variant that results in the substitution of arginine with cysteine. This variant has been reported in individuals with BBS2-related disorders (PMID: 22353939). Also, this variant is rare in population databases. The currently available literature and clinical evidence are not sufficient to establish a definitive association between this variant and the reported condition. Therefore, this variant is classified as a variant of uncertain significance.

Labcorp Genetics (formerly Invitae), Labcorp
Classification: Likely pathogenic for Bardet-Biedl syndrome. Last evaluated: 2025-12-20. Review status: criteria provided, single submitter. Criteria: Invitae Variant Classification Sherloc (09022015). Collection method: clinical testing. Allele origin: germline.
Comment: This sequence change replaces arginine, which is basic and polar, with cysteine, which is neutral and slightly polar, at codon 403 of the BBS2 protein (p.Arg403Cys). This variant is present in population databases (rs766873519, gnomAD 0.02%). This missense change has been observed in individual(s) with Bardet-Biedl syndrome (PMID: 22353939). ClinVar contains an entry for this variant (Variation ID: 319857). Invitae Evidence Modeling of protein sequence and biophysical properties (such as structural, functional, and spatial information, amino acid conservation, physicochemical variation, residue mobility, and thermodynamic stability) indicates that this missense variant is not expected to disrupt BBS2 protein function with a negative predictive value of 80%. Algorithms developed to predict the effect of sequence changes on RNA splicing suggest that this variant may disrupt the consensus splice site. In summary, the currently available evidence indicates that the variant is pathogenic, but additional data are needed to prove that conclusively. Therefore, this variant has been classified as Likely Pathogenic.

Blueprint Genetics
Classification: Uncertain significance. Last evaluated: 2024-11-13. Review status: criteria provided, single submitter. Criteria: ACMG Guidelines, 2015. Collection method: clinical testing. Allele origin: germline.

Fulgent Genetics
Classification: Uncertain significance for Bardet-Biedl syndrome 2; Retinitis pigmentosa 74. Last evaluated: 2024-04-09. Review status: criteria provided, single submitter. Criteria: ACMG Guidelines, 2015. Collection method: clinical testing. Allele origin: germline.

GeneDx
Classification: Uncertain significance. Last evaluated: 2024-02-25. Review status: criteria provided, single submitter. Criteria: GeneDx Variant Classification Process June 2021. Collection method: clinical testing. Allele origin: germline. Affected: yes.
Comment: In silico analysis supports that this missense variant does not alter protein structure/function; This variant is associated with the following publications: (PMID: 27894351, 22353939)

Breakthrough Genomics
Classification: Uncertain significance. Review status: criteria provided, single submitter. Criteria: ACMG Guidelines, 2015. Collection method: not provided. Allele origin: germline. Inheritance: Autosomal recessive inheritance. Affected: yes.

Counsyl
Classification: Uncertain significance for Bardet-Biedl syndrome 2. Last evaluated: 2017-01-27. Review status: no assertion criteria provided. Collection method: clinical testing. Allele origin: unknown. Not counted in ClinVar's aggregate classification.

Literature cited by the submitters: PubMed 22353939 (cited by 4 submitters); PubMed 27894351 (cited by Women's Health and Genetics/Laboratory Corporation of America, LabCorp).